The following is an entry in ClinVar:

ClinVar aggregate classification (germline): Uncertain significance (1 of 4 stars; one submission).

Conditions:
Congenital myasthenic syndrome 20. Also called: Myasthenic syndrome, congenital, 20, presynaptic. Identifiers: MedGen C4310694, MONDO:0014939, OMIM 617143.
Neuronopathy, distal hereditary motor, type 7A. Also called: Neuronopathy, distal hereditary motor, type viia; HARPER-YOUNG MYOPATHY; HMN VIIA; NEURONOPATHY, DISTAL HEREDITARY MOTOR, HARDING TYPE VIIA; NEUROPATHY, DISTAL HEREDITARY MOTOR, HARDING TYPE VIIA; Neuronopathy, distal hereditary motor, autosomal dominant 7. Identifiers: Orphanet 139589, MedGen C1834703, MONDO:0008024, OMIM 158580.

Allele frequency attached by ClinVar (database versions not stated): TOPMed below 0.00001.

Submission:

Labcorp Genetics (formerly Invitae), Labcorp
Classification: Uncertain significance for Neuronopathy, distal hereditary motor, type 7A; Congenital myasthenic syndrome 20. Last evaluated: 2023-12-07. Review status: criteria provided, single submitter. Criteria: Invitae Variant Classification Sherloc (09022015). Collection method: clinical testing. Allele origin: germline.
Comment: This sequence change replaces alanine, which is neutral and non-polar, with proline, which is neutral and non-polar, at codon 288 of the SLC5A7 protein (p.Ala288Pro). This variant is not present in population databases (gnomAD no frequency). This variant has not been reported in the literature in individuals affected with SLC5A7-related conditions. Advanced modeling of protein sequence and biophysical properties (such as structural, functional, and spatial information, amino acid conservation, physicochemical variation, residue mobility, and thermodynamic stability) performed at Invitae indicates that this missense variant is not expected to disrupt SLC5A7 protein function with a negative predictive value of 80%. In summary, the available evidence is currently insufficient to determine the role of this variant in disease. Therefore, it has been classified as a Variant of Uncertain Significance.

NM_021815.5(SLC5A7):c.862G>C (p.Ala288Pro)

Gene: SLC5A7 (solute carrier family 5 member 7; plus strand). Cytogenetic location: 2q12.3.
Variant type: single nucleotide variant.
Coding change: c.862G>C on transcript NM_021815.5 (MANE Select); coding-DNA position 862, G replaced by C.
Protein change: p.Ala288Pro; replaces alanine 288 with proline.
Molecular consequence: missense variant.
Genome position (GRCh38, 1-based): chr2:108,006,169, G>C. VCF-style: chr2-108006169-G-C. GRCh37 (hg19) VCF-style: chr2-108622625-G-C.
Other names: c.862G>C, p.Ala288Pro (NM_001305005.3); c.547G>C, p.Ala183Pro (NM_001305006.3); c.121G>C, p.Ala41Pro (NM_001305007.3); short protein forms A183P, A288P, A41P.
Identifiers: ClinVar variation 2933019 (VCV002933019.3), dbSNP rs961168507, ClinGen allele CA53968862.
Genomic context (GRCh38, chr2:108,006,169, plus strand): 5'-ACCTATGCTCAAGTGCTGTCCTTCCTGGCAGCTTTCGGGTGCCTGGTGATGGCCATCCCA[G>C]CCATACTCATTGGGGCCATTGGAGCATCAACAGGTAAATCTCTTGCAGCTTCACCACATG-3'
Protein context (NP_068587.1, residues 278-298): AFGCLVMAIP[Ala288Pro]ILIGAIGAST